The following is an entry in ClinVar:

NM_002520.7(NPM1):c.863_864insCCTG (p.Trp288fs)

Gene: NPM1 (nucleophosmin 1; plus strand). Cytogenetic location: 5q35.1.
Variant type: Insertion.
Coding change: c.863_864insCCTG on transcript NM_002520.7 (MANE Select); coding-DNA positions 863 to 864, CCTG inserted.
Protein change: p.Trp288fs; shifts the reading frame from tryptophan 288.
Molecular consequence: frameshift variant. On other transcripts: non-coding transcript variant (1).
Genome position: GRCh38 VCF-style: chr5-171410540-T-TCTGC. GRCh37 (hg19) VCF-style: chr5-170837544-T-TCTGC.
Other names: c.863_864insCCTG, p.Trp288fs (NM_001355006.2); c.671_672insCCTG, p.Trp224fs (NM_001355007.2); c.482_483insCCTG, p.Trp161fs (NM_001355010.2); c.776_777insCCTG, p.Trp259fs (NM_199185.4); short protein forms W161fs, W288fs, W224fs, W259fs.
Identifiers: ClinVar variation 14001 (VCV000014001.2), dbSNP rs1554138189, ClinGen allele CA280202.
Genomic context (GRCh38, chr5:171,410,540, plus strand): 5'-TGAAGTGTTGTGGTTCCTTAACCACATTTCTTTTTTTTTTTTTCCAGGCTATTCAAGATC[T>TCTGC]CTGGCAGTGGAGGAAGTCTCTTTAAGAAAATAGTTTAAACAATTTGTTAAAAAATTTTCC-3'

ClinVar aggregate classification (germline): Pathogenic (0 of 4 stars; one submission).
ClinVar aggregate classification (somatic clinical impact): Tier I - Strong (1 of 4 stars; one submission).

Conditions:
Acute myeloid leukemia (AML). Also called: Acute myeloid leukemia, adult; AML adult; Acute non-lymphocytic leukemia; Acute granulocytic leukemia; Leukemia, acute myeloid, somatic; Leukemia, acute myelogenous, somatic. Identifiers: Orphanet 519, MedGen C0023467, MeSH D015470, MONDO:0018874, OMIM 601626, HP:0004808. Disease mechanism: Constitutively activated FLT3.
Acute myeloid leukemia with NPM1 somatic mutations. Identifiers: Orphanet 402026, MedGen C4706386, MONDO:0018437.

Submissions (2):

Institute for Genomic Medicine (IGM) Clinical Laboratory, Nationwide Children's Hospital
Classification: Tier I - Strong for Acute myeloid leukemia with NPM1 somatic mutations. Assertion type: diagnostic. Clinical significance: supports diagnosis. Last evaluated: 2025-08-18. Review status: criteria provided, single submitter. Criteria: AMP/ASCO/CAP Guidelines, 2017. Collection method: clinical testing. Allele origin: somatic. Affected: yes.
Comment: Variant has Tier I (strong) clinical significance as a diagnostic inclusion criterion in acute myeloid leukemia with NPM1 somatic mutations, based on the following evidence: 1) Documented in one or more cancer databases (e.g., St. Jude Pecan, COSMIC, CIViC, OncoKB). 2) Appears in one or more well-established professional guidelines (e.g., World Health Organization [WHO]; National Comprehensive Cancer Network [NCCN]) as providing diagnostic, prognostic, or therapeutic information. 3) Information in the literature supports potential biologic effect of variant (PMIDs: 16455950, 16720834). 4) Diagnostic for a specific tumor type/classification according to professional guidelines (Evidence Level A; PMIDs: 16076867, 17440048, 16455956, 27288520, 27276561, 38212634, 32609823).

OMIM
Classification: Pathogenic for LEUKEMIA, ACUTE MYELOID, SOMATIC. Last evaluated: 2005-01-20. Review status: no assertion criteria provided. Collection method: literature only. Allele origin: somatic.

Literature cited by the submitters: PubMed 16455950 (cited by Institute for Genomic Medicine (IGM) Clinical Laboratory, Nationwide Children's Hospital); PubMed 16720834 (cited by Institute for Genomic Medicine (IGM) Clinical Laboratory, Nationwide Children's Hospital); PubMed 16076867 (cited by Institute for Genomic Medicine (IGM) Clinical Laboratory, Nationwide Children's Hospital); PubMed 17440048 (cited by Institute for Genomic Medicine (IGM) Clinical Laboratory, Nationwide Children's Hospital); PubMed 16455956 (cited by Institute for Genomic Medicine (IGM) Clinical Laboratory, Nationwide Children's Hospital); PubMed 27288520 (cited by Institute for Genomic Medicine (IGM) Clinical Laboratory, Nationwide Children's Hospital); PubMed 27276561 (cited by Institute for Genomic Medicine (IGM) Clinical Laboratory, Nationwide Children's Hospital); PubMed 38212634 (cited by Institute for Genomic Medicine (IGM) Clinical Laboratory, Nationwide Children's Hospital); PubMed 32609823 (cited by Institute for Genomic Medicine (IGM) Clinical Laboratory, Nationwide Children's Hospital); PubMed 15659725 (cited by OMIM).